The following is an entry in ClinVar:

NM_000410.4(HFE):c.892G>T (p.Glu298Ter)

Gene: HFE (homeostatic iron regulator; plus strand). Cytogenetic location: 6p22.2.
Variant type: single nucleotide variant.
Coding change: c.892G>T on transcript NM_000410.4 (MANE Select); coding-DNA position 892, G replaced by T.
Protein change: p.Glu298Ter; replaces glutamic acid 298 with a stop codon.
Molecular consequence: nonsense. On other transcripts: intron variant (1).
Genome position (GRCh38, 1-based): chr6:26,092,960, G>T. VCF-style: chr6-26092960-G-T. GRCh37 (hg19) VCF-style: chr6-26093188-G-T.
Other names: c.892G>T, p.Glu298Ter (NM_001300749.3, NM_001384164.1); c.883G>T, p.Glu295Ter (NM_001406751.1); c.628G>T, p.Glu210Ter (NM_001406752.1, NM_139007.3); c.574G>T, p.Glu192Ter (NM_139003.3); c.616G>T, p.Glu206Ter (NM_139004.3); c.850G>T, p.Glu284Ter (NM_139006.3); c.586G>T, p.Glu196Ter (NM_139008.3); c.823G>T, p.Glu275Ter (NM_139009.3); and 2 more; short protein forms E298*, E118*, E196*, E275*, E284*, E192*, E210*, E206*.
Identifiers: ClinVar variation 407073 (VCV000407073.12), dbSNP rs749553271, ClinGen allele CA3666754.
Genomic context (GRCh38, chr6:26,092,960, plus strand): 5'-CAGAGATATACGTGCCAGGTGGAGCACCCAGGCCTGGATCAGCCCCTCATTGTGATCTGG[G>T]GTATGTGACTGATGAGAGCCAGGAGCTGAGAAAATCTATTGGGGGTTGAGAGGAGTGCCT-3'

ClinVar aggregate classification (germline): Pathogenic/Likely pathogenic. Review status: criteria provided, multiple submitters, no conflicts (2 of 4 stars). 2 submissions from 2 submitters: Pathogenic (1); Likely pathogenic (1). Last evaluated 2023-04-25.

Conditions:
Hereditary hemochromatosis (HFE). Identifiers: MedGen C0392514, MONDO:0006507. Disease mechanism: loss of function.
Hemochromatosis type 1 (HFE1). Also called: HFE-Related Hemochromatosis; HFE-Associated Hereditary Hemochromatosis. Identifiers: Orphanet 465508, MedGen C3469186, MONDO:0021001, OMIM 235200. Disease mechanism: loss of function.

Allele frequency attached by ClinVar (database versions not stated): gnomAD exomes below 0.00001; TOPMed below 0.00001; ExAC 0.00001; gnomAD 0.00002.
gnomAD v4.1: 4 of 1,613,876 alleles (0.00025%); highest among the groups gnomAD compares: African/African-American, 0.0013%; no homozygotes.

Submissions (3):

Women's Health and Genetics/Laboratory Corporation of America, LabCorp
Classification: Likely pathogenic for Hemochromatosis type 1. Last evaluated: 2023-04-25. Review status: criteria provided, single submitter. Criteria: LabCorp Variant Classification Summary - May 2015. Collection method: clinical testing. Allele origin: germline.
Comment: Variant summary: HFE c.892G>T (p.Glu298X) results in a premature termination codon, predicted to cause a truncation of the encoded protein or absence of the protein due to nonsense mediated decay. Other truncations have been cited in association with Hemochromatosis in HGMD. The variant was absent in 251016 control chromosomes (gnomAD). To our knowledge, no occurrence of c.892G>T in individuals affected with Hemochromatosis Type 1 and no experimental evidence demonstrating its impact on protein function have been reported. One clinical diagnostic laboratory has submitted clinical-significance assessments for this variant to ClinVar after 2014, classifying the variant as pathogenic. Based on the evidence outlined above, the variant was classified as likely pathogenic.

Labcorp Genetics (formerly Invitae), Labcorp
Classification: Pathogenic for Hereditary hemochromatosis. Last evaluated: 2016-06-21. Review status: criteria provided, single submitter. Criteria: Invitae Variant Classification Sherloc (09022015). Collection method: clinical testing. Allele origin: germline.
Comment: For these reasons, this variant has been classified as Pathogenic. While this particular variant has not been reported in the literature, truncating variants in HFE are known to contribute to hemochromatosis when homozygous or present with a second pathogenic allele in HFE (PMID: 9482913, 10557317, 10381492, 24920245, 10930379). This sequence change creates a premature translational stop signal at codon 298 (p.Glu298*) of the HFE gene. It is expected to result in an absent or disrupted protein product.

Dr. Peter K. Rogan Lab, Western University
No classification provided (evidence only). Condition: Lung cancer. Review status: no classification provided. Collection method: in vitro. Allele origin: not applicable. Functional consequence: retained intron. Not counted in ClinVar's aggregate classification.

Literature cited by the submitters: PubMed 9482913 (cited by Labcorp Genetics (formerly Invitae), Labcorp); PubMed 10557317 (cited by Labcorp Genetics (formerly Invitae), Labcorp); PubMed 10381492 (cited by Labcorp Genetics (formerly Invitae), Labcorp); PubMed 24920245 (cited by Labcorp Genetics (formerly Invitae), Labcorp); PubMed 10930379 (cited by Labcorp Genetics (formerly Invitae), Labcorp).